The following is an entry in ClinVar:

NM_002693.3(POLG):c.336C>G (p.Leu112=)

Genes: POLG (DNA polymerase gamma, catalytic subunit; minus strand), POLGARF (POLG alternative reading frame; minus strand). Cytogenetic location: 15q26.1.
Variant type: single nucleotide variant.
Coding change: c.336C>G on transcript NM_002693.3 (MANE Select); coding-DNA position 336, C replaced by G.
Protein change: p.Leu112=; no amino-acid change (leucine 112 retained).
Molecular consequence: synonymous variant.
Genome position (GRCh38, 1-based): chr15:89,333,419, G>C on the plus strand (C>G on the coding strand, the complement: POLG is on the minus strand). VCF-style: chr15-89333419-G-C. GRCh37 (hg19) VCF-style: chr15-89876650-G-C.
Other names: c.336C>G, p.Leu112= (NM_001126131.2).
Identifiers: ClinVar variation 383654 (VCV000383654.1), dbSNP rs1057521700, ClinGen allele CA16607931.

ClinVar aggregate classification (germline): Likely benign (1 of 4 stars; one submission).

Submission:

GeneDx
Classification: Likely benign. Last evaluated: 2016-02-04. Review status: criteria provided, single submitter. Criteria: GeneDx Variant Classification (06012015). Collection method: clinical testing. Allele origin: germline. Affected: yes.
Comment: This variant is considered likely benign or benign based on one or more of the following criteria: it is a conservative change, it occurs at a poorly conserved position in the protein, it is predicted to be benign by multiple in silico algorithms, and/or has population frequency not consistent with disease.